The following is an entry in ClinVar:

NM_205836.3(FBXO38):c.3105C>A (p.Asn1035Lys)

Gene: FBXO38 (F-box protein 38; plus strand). Cytogenetic location: 5q32.
Variant type: single nucleotide variant.
Coding change: c.3105C>A on transcript NM_205836.3 (MANE Select); coding-DNA position 3105, C replaced by A.
Protein change: p.Asn1035Lys; replaces asparagine 1035 with lysine.
Molecular consequence: missense variant.
Genome position (GRCh38, 1-based): chr5:148,439,727, C>A. VCF-style: chr5-148439727-C-A. GRCh37 (hg19) VCF-style: chr5-147819290-C-A.
Other names: c.2370C>A, p.Asn790Lys (NM_001271723.2); c.2880C>A, p.Asn960Lys (NM_030793.5); short protein forms N790K, N960K, N1035K.
Identifiers: ClinVar variation 2049311 (VCV002049311.4), dbSNP rs1754563512, ClinGen allele CA361660839.

ClinVar aggregate classification (germline): Uncertain significance (1 of 4 stars; one submission).

Conditions:
Distal hereditary motor neuropathy type 2. Identifiers: Orphanet 139525, MedGen C3711384, MeSH C580044, MONDO:0015352.

Allele frequency attached by ClinVar (database versions not stated): gnomAD exomes below 0.00001.
gnomAD v4.1: 2 of 1,613,558 alleles (0.00012%); highest among the groups gnomAD compares: Non-Finnish European, 0.00017%; no homozygotes.

Submission:

Labcorp Genetics (formerly Invitae), Labcorp
Classification: Uncertain significance for Distal hereditary motor neuropathy type 2. Last evaluated: 2022-03-26. Review status: criteria provided, single submitter. Criteria: Invitae Variant Classification Sherloc (09022015). Collection method: clinical testing. Allele origin: germline.
Comment: In summary, the available evidence is currently insufficient to determine the role of this variant in disease. Therefore, it has been classified as a Variant of Uncertain Significance. This sequence change replaces asparagine, which is neutral and polar, with lysine, which is basic and polar, at codon 960 of the FBXO38 protein (p.Asn960Lys). Algorithms developed to predict the effect of missense changes on protein structure and function are either unavailable or do not agree on the potential impact of this missense change (SIFT: "Deleterious"; PolyPhen-2: "Probably Damaging"; Align-GVGD: "Class C0"). This variant has not been reported in the literature in individuals affected with FBXO38-related conditions. This variant is not present in population databases (gnomAD no frequency).